The following is an entry in ClinVar:

NM_005654.6(NR2F1):c.540C>T (p.Asn180=)

Gene: NR2F1 (nuclear receptor subfamily 2 group F member 1; plus strand). Cytogenetic location: 5q15.
Variant type: single nucleotide variant.
Coding change: c.540C>T on transcript NM_005654.6 (MANE Select); coding-DNA position 540, C replaced by T.
Protein change: p.Asn180=; no amino-acid change (asparagine 180 retained).
Molecular consequence: synonymous variant.
Genome position (GRCh38, 1-based): chr5:93,587,993, C>T. VCF-style: chr5-93587993-C-T. GRCh37 (hg19) VCF-style: chr5-92923699-C-T.
Other names: c.540C>T (NM_005654.5).
Identifiers: ClinVar variation 509286 (VCV000509286.8), dbSNP rs747863258, ClinGen allele CA3343158.

ClinVar aggregate classification (germline): Likely benign. Review status: criteria provided, multiple submitters, no conflicts (2 of 4 stars). 3 submissions from 3 submitters: Likely benign (2). 1 of the submissions does not count toward it. Last evaluated 2024-09-15.

Conditions:
NR2F1-related disorder. Also called: NR2F1-related condition.

Allele frequency attached by ClinVar (database versions not stated): gnomAD exomes 0.00001 and 0.00002; TOPMed 0.00001; ExAC 0.00002; gnomAD 0.00002.
gnomAD v4.1: 16 of 1,613,460 alleles (0.00099%); highest among the groups gnomAD compares: Non-Finnish European, 0.0014%; no homozygotes.

Submissions (3):

Labcorp Genetics (formerly Invitae), Labcorp
Classification: Likely benign. Last evaluated: 2024-09-15. Review status: criteria provided, single submitter. Criteria: Invitae Variant Classification Sherloc (09022015). Collection method: clinical testing. Allele origin: germline.

GeneDx
Classification: Likely benign. Last evaluated: 2018-08-23. Review status: criteria provided, single submitter. Criteria: GeneDx Variant Classification Process June 2021. Collection method: clinical testing. Allele origin: germline. Affected: yes.

PreventionGenetics, part of Exact Sciences
Classification: Likely benign for NR2F1-related condition. Last evaluated: 2019-03-22. Review status: no assertion criteria provided. Collection method: clinical testing. Allele origin: germline. Not counted in ClinVar's aggregate classification.
Comment: This variant is classified as likely benign based on ACMG/AMP sequence variant interpretation guidelines (Richards et al. 2015 PMID: 25741868, with internal and published modifications).